The following is an entry in ClinVar:

NM_005120.3(MED12):c.4891A>G (p.Ser1631Gly)

Gene: MED12 (mediator complex subunit 12; plus strand). Cytogenetic location: Xq13.1.
Variant type: single nucleotide variant.
Coding change: c.4891A>G on transcript NM_005120.3 (MANE Select); coding-DNA position 4891, A replaced by G.
Protein change: p.Ser1631Gly; replaces serine 1631 with glycine.
Molecular consequence: missense variant.
Genome position (GRCh38, 1-based): chrX:71,135,119, A>G. VCF-style: chrX-71135119-A-G. GRCh37 (hg19) VCF-style: chrX-70354969-A-G.
Other names: short protein forms S1631G.
Identifiers: ClinVar variation 2865017 (VCV002865017.3), dbSNP rs2519708590, ClinGen allele CA413532979.

ClinVar aggregate classification (germline): Uncertain significance (1 of 4 stars; one submission).

Conditions:
FG syndrome (FGS). Identifiers: MedGen C0220769, MONDO:0002010.

Submission:

Labcorp Genetics (formerly Invitae), Labcorp
Classification: Uncertain significance for FG syndrome. Last evaluated: 2023-05-16. Review status: criteria provided, single submitter. Criteria: Invitae Variant Classification Sherloc (09022015). Collection method: clinical testing. Allele origin: germline.
Comment: In summary, the available evidence is currently insufficient to determine the role of this variant in disease. Therefore, it has been classified as a Variant of Uncertain Significance. Advanced modeling of protein sequence and biophysical properties (such as structural, functional, and spatial information, amino acid conservation, physicochemical variation, residue mobility, and thermodynamic stability) performed at Invitae indicates that this missense variant is not expected to disrupt MED12 protein function. This variant has not been reported in the literature in individuals affected with MED12-related conditions. This variant is not present in population databases (gnomAD no frequency). This sequence change replaces serine, which is neutral and polar, with glycine, which is neutral and non-polar, at codon 1631 of the MED12 protein (p.Ser1631Gly).